The following is an entry in ClinVar:

NM_000268.4(NF2):c.1261G>A (p.Glu421Lys)

Gene: NF2 (NF2, moesin-ezrin-radixin like (MERLIN) tumor suppressor; plus strand). Cytogenetic location: 22q12.2.
Variant type: single nucleotide variant.
Coding change: c.1261G>A on transcript NM_000268.4 (MANE Select); coding-DNA position 1261, G replaced by A.
Protein change: p.Glu421Lys; replaces glutamic acid 421 with lysine.
Molecular consequence: missense variant. On other transcripts: intron variant (1).
Genome position (GRCh38, 1-based): chr22:29,673,407, G>A. VCF-style: chr22-29673407-G-A. GRCh37 (hg19) VCF-style: chr22-30069396-G-A.
Other names: c.1147G>A, p.Glu383Lys (NM_001407053.1, NM_001407056.1); c.1138G>A, p.Glu380Lys (NM_001407054.1, NM_001407058.1, NM_181829.3); c.1135G>A, p.Glu379Lys (NM_001407055.1, NM_181828.3); c.1126G>A, p.Glu376Lys (NM_001407057.1, NM_001407059.1); c.1261G>A, p.Glu421Lys (NM_001407060.1, NM_001407066.1, NM_016418.5 and 2 more transcripts); c.1003G>A, p.Glu335Lys (NM_001407062.1); c.1012G>A, p.Glu338Lys (NM_001407063.1, NM_001407064.1, NM_181830.3 and 1 more transcripts); c.727G>A, p.Glu243Lys (NM_001407065.1); and 2 more; short protein forms E379K, E335K, E383K, E243K, E338K, E344K, E380K, E376K.
Identifiers: ClinVar variation 5025726 (VCV005025726.1).

ClinVar aggregate classification (germline): Uncertain significance (1 of 4 stars; one submission).

Conditions:
Hereditary cancer-predisposing syndrome. Also called: Neoplastic Syndromes, Hereditary; Tumor predisposition; Hereditary neoplastic syndrome; Hereditary Cancer Syndrome. Identifiers: Orphanet 140162, MedGen C0027672, MeSH D009386, MONDO:0015356.

Submission:

Ambry Genetics
Classification: Uncertain significance for Hereditary cancer-predisposing syndrome. Last evaluated: 2026-09-14. Review status: criteria provided, single submitter. Criteria: Ambry Variant Classification Scheme 2023. Collection method: clinical testing. Allele origin: germline.
Comment: The p.E421K variant (also known as c.1261G>A), located in coding exon 12 of the NF2 gene, results from a G to A substitution at nucleotide position 1261. The glutamic acid at codon 421 is replaced by lysine, an amino acid with similar properties. This amino acid position is highly conserved in available vertebrate species. In addition, this alteration is predicted to be deleterious by in silico analysis. Based on the available evidence, the clinical significance of this variant remains unclear.